The following is an entry in ClinVar:

NM_080680.3(COL11A2):c.5165C>T (p.Pro1722Leu)

Gene: COL11A2 (collagen type XI alpha 2 chain; minus strand). Cytogenetic location: 6p21.32.
Variant type: single nucleotide variant.
Coding change: c.5165C>T on transcript NM_080680.3 (MANE Select); coding-DNA position 5165, C replaced by T.
Protein change: p.Pro1722Leu; replaces proline 1722 with leucine.
Molecular consequence: missense variant.
Genome position (GRCh38, 1-based): chr6:33,163,724, G>A on the plus strand (C>T on the coding strand, the complement: COL11A2 is on the minus strand). VCF-style: chr6-33163724-G-A. GRCh37 (hg19) VCF-style: chr6-33131501-G-A.
Other names: c.4844C>T, p.Pro1615Leu (NM_080679.3); c.4907C>T, p.Pro1636Leu (NM_080681.3); short protein forms P1722L, P1636L, P1615L.
Identifiers: ClinVar variation 46568 (VCV000046568.42), dbSNP rs2229792, ClinGen allele CA138634.

ClinVar aggregate classification (germline): Benign/Likely benign. Review status: criteria provided, multiple submitters, no conflicts (2 of 4 stars). 15 submissions from 14 submitters: Benign (10); Likely benign (2). 3 of the submissions do not count toward it. Last evaluated 2026-05-09.

Conditions:
Connective tissue disorder. Also called: Connective tissue disease. Identifiers: MedGen C0009782, MONDO:0003900.
Fibrochondrogenesis 2 (FBCG2). Identifiers: Orphanet 2021, MedGen C3281128, MONDO:0013795, OMIM 614524.
Otospondylomegaepiphyseal dysplasia, autosomal recessive (OSMEDB). Also called: Insley-Astley syndrome; CHONDRODYSTROPHY WITH SENSORINEURAL DEAFNESS. Identifiers: Orphanet 1427, MedGen CN034493, MONDO:0044206, OMIM 215150.

Allele frequency attached by ClinVar (database versions not stated): gnomAD 0.01847 and 0.01881; gnomAD exomes 0.01958 and 0.02026; 1000 Genomes Project 0.00679; TOPMed 0.01700; ESP Exome Variant Server 0.01743; ExAC 0.01934; 1000 Genomes Project 30x 0.00812.
gnomAD v4.1: 31,660 of 1,613,068 alleles (2%); highest among the groups gnomAD compares: Middle Eastern, 4%; 535 homozygotes.

Submissions (15):

Women's Health and Genetics/Laboratory Corporation of America, LabCorp
Classification: Likely benign. Last evaluated: 2026-05-09. Review status: criteria provided, single submitter. Criteria: LabCorp Variant Classification Summary - May 2015. Collection method: clinical testing. Allele origin: germline.

Labcorp Genetics (formerly Invitae), Labcorp
Classification: Benign. Last evaluated: 2026-02-04. Review status: criteria provided, single submitter. Criteria: Invitae Variant Classification Sherloc (09022015). Collection method: clinical testing. Allele origin: germline.

ARUP Laboratories, Molecular Genetics and Genomics, ARUP Laboratories
Classification: Benign. Last evaluated: 2025-05-23. Review status: criteria provided, single submitter. Criteria: ARUP Molecular Germline Variant Investigation Process 2024. Collection method: clinical testing. Allele origin: germline.

Genome Diagnostics Laboratory, The Hospital for Sick Children
Classification: Benign for Connective tissue disorder. Last evaluated: 2022-03-12. Review status: criteria provided, single submitter. Criteria: ACMG Guidelines, 2015. Collection method: clinical testing. Allele origin: germline.

Mayo Clinic Laboratories, Mayo Clinic
Classification: Benign. Last evaluated: 2021-04-04. Review status: criteria provided, single submitter. Criteria: ACMG Guidelines, 2015. Collection method: clinical testing. Allele origin: germline. Observed: 4 variant alleles.

Athena Diagnostics
Classification: Benign. Last evaluated: 2020-09-02. Review status: criteria provided, single submitter. Criteria: Athena Diagnostics criteria. Collection method: clinical testing. Allele origin: unknown.

Illumina Laboratory Services, Illumina
Classification: Benign for Otospondylomegaepiphyseal dysplasia, autosomal recessive. Last evaluated: 2018-01-12. Review status: criteria provided, single submitter. Criteria: ICSL Variant Classification Criteria 13 December 2019. Collection method: clinical testing. Allele origin: germline.
Comment: This variant was observed in the ICSL laboratory as part of a predisposition screen in an ostensibly healthy population. It had not been previously curated by ICSL or reported in the Human Gene Mutation Database (HGMD: prior to June 1st, 2018), and was therefore a candidate for classification through an automated scoring system. Utilizing variant allele frequency, disease prevalence and penetrance estimates, and inheritance mode, an automated score was calculated to assess if this variant is too frequent to cause the disease. Based on the score and internal cut-off values, a variant classified as benign is not then subjected to further curation. The score for this variant resulted in a classification of benign for this disease.

Illumina Laboratory Services, Illumina
Classification: Benign for Fibrochondrogenesis 2. Last evaluated: 2018-01-12. Review status: criteria provided, single submitter. Criteria: ICSL Variant Classification Criteria 13 December 2019. Collection method: clinical testing. Allele origin: germline.
Comment: the same text as in the submission from Illumina Laboratory Services, Illumina above.

GeneDx
Classification: Benign. Last evaluated: 2016-10-05. Review status: criteria provided, single submitter. Criteria: GeneDx Variant Classification (06012015). Collection method: clinical testing. Allele origin: germline. Affected: yes.
Comment: This variant is considered likely benign or benign based on one or more of the following criteria: it is a conservative change, it occurs at a poorly conserved position in the protein, it is predicted to be benign by multiple in silico algorithms, and/or has population frequency not consistent with disease.

Laboratory for Molecular Medicine, Mass General Brigham Personalized Medicine
Classification: Benign. Last evaluated: 2012-05-07. Review status: criteria provided, single submitter. Criteria: LMM Criteria. Collection method: clinical testing. Allele origin: germline. Observed: 72 variant alleles.
Comment: Pro1722Leu in Exon 66 of COL11A2: This variant is not expected to have clinical significance because it has been identified in 2.6% (117/4486) of European Ameri can chromosomes from a broad population by the NHLBI Exome Sequencing Project (dbSNP rs2229792).

Breakthrough Genomics
Classification: Likely benign. Review status: criteria provided, single submitter. Criteria: ACMG Guidelines, 2015. Collection method: not provided. Allele origin: germline. Inheritance: Autosomal recessive inheritance. Affected: yes.

PreventionGenetics, part of Exact Sciences
Classification: Benign. Review status: criteria provided, single submitter. Criteria: ACMG Guidelines, 2015. Collection method: clinical testing. Allele origin: germline.

Genome Diagnostics Laboratory, Amsterdam University Medical Center
Classification: Benign. Review status: no assertion criteria provided. Collection method: clinical testing. Allele origin: germline. Affected: yes. Study: VKGL Data-share Consensus. Not counted in ClinVar's aggregate classification.

Joint Genome Diagnostic Labs from Nijmegen and Maastricht, Radboudumc and MUMC+
Classification: Benign. Review status: no assertion criteria provided. Collection method: clinical testing. Allele origin: germline. Affected: yes. Study: VKGL Data-share Consensus. Not counted in ClinVar's aggregate classification.

Laboratory of Diagnostic Genome Analysis, Leiden University Medical Center (LUMC)
Classification: Likely benign. Review status: no assertion criteria provided. Collection method: clinical testing. Allele origin: germline. Affected: yes. Study: VKGL Data-share Consensus. Not counted in ClinVar's aggregate classification.